The following is an entry in ClinVar:

ClinVar aggregate classification (germline): Uncertain significance (1 of 4 stars; one submission).

Conditions:
Cardiovascular phenotype. Identifiers: MedGen CN230736.

gnomAD v4.1: 2 of 1,614,162 alleles (0.00012%); highest among the groups gnomAD compares: Admixed American, 0.0017%; no homozygotes.

Submission:

Ambry Genetics
Classification: Uncertain significance for Cardiovascular phenotype. Last evaluated: 2026-04-11. Review status: criteria provided, single submitter. Criteria: Ambry Variant Classification Scheme 2023. Collection method: clinical testing. Allele origin: germline.
Comment: The p.A125T variant (also known as c.373G>A), located in coding exon 1 of the RASA1 gene, results from a G to A substitution at nucleotide position 373. The alanine at codon 125 is replaced by threonine, an amino acid with similar properties. This amino acid position is conserved. In addition, this alteration is predicted to be tolerated by in silico analysis. Based on the available evidence, the clinical significance of this variant remains unclear.

NM_002890.3(RASA1):c.373G>A (p.Ala125Thr)

Gene: RASA1 (RAS p21 protein activator 1; plus strand). Cytogenetic location: 5q14.3.
Variant type: single nucleotide variant.
Coding change: c.373G>A on transcript NM_002890.3 (MANE Select); coding-DNA position 373, G replaced by A.
Protein change: p.Ala125Thr; replaces alanine 125 with threonine.
Molecular consequence: missense variant.
Genome position (GRCh38, 1-based): chr5:87,268,824, G>A. VCF-style: chr5-87268824-G-A. GRCh37 (hg19) VCF-style: chr5-86564641-G-A.
Other names: short protein forms A125T.
Identifiers: ClinVar variation 4862975 (VCV004862975.1).